The following is an entry in ClinVar:

NM_000051.4(ATM):c.334G>A (p.Ala112Thr)

Gene: ATM (ATM serine/threonine kinase; plus strand). Cytogenetic location: 11q22.3.
Variant type: single nucleotide variant.
Coding change: c.334G>A on transcript NM_000051.4 (MANE Select); coding-DNA position 334, G replaced by A.
Protein change: p.Ala112Thr; replaces alanine 112 with threonine.
Molecular consequence: missense variant.
Genome position (GRCh38, 1-based): chr11:108,235,672, G>A. VCF-style: chr11-108235672-G-A. GRCh37 (hg19) VCF-style: chr11-108106399-G-A.
Other names: p.A112T:GCA>ACA; NP_000042.3:p.Ala112Thr; c.334G>A, p.Ala112Thr (NM_001351834.2); short protein forms A112T.
Identifiers: ClinVar variation 127370 (VCV000127370.56), dbSNP rs146382972, ClinGen allele CA286806.

ClinVar aggregate classification (germline): Conflicting classifications of pathogenicity. Review status: criteria provided, conflicting classifications (1 of 4 stars). 19 submissions from 19 submitters: Uncertain significance (5); Benign (3); Likely benign (10). 1 of the submissions does not count toward it. Last evaluated 2026-03-05.

Conditions:
ATM-related disorder. Also called: ATM-related disorders; ATM-related condition.
ATM-related cancer predisposition. Also called: ATM-related cancer susceptibility. Identifiers: MedGen CN377759, MONDO:0700270.
Hereditary cancer-predisposing syndrome. Also called: Tumor predisposition; Hereditary neoplastic syndrome; Neoplastic Syndromes, Hereditary; Hereditary Cancer Syndrome. Identifiers: Orphanet 140162, MedGen C0027672, MeSH D009386, MONDO:0015356.
Familial cancer of breast. Also called: Hereditary breast cancer; hereditary breast carcinoma; BREAST CANCER, FAMILIAL. Identifiers: Orphanet 227535, MedGen C0346153, MONDO:0016419, OMIM 114480. Disease mechanism: loss of function.
Ataxia-telangiectasia syndrome (AT). Also called: LOUIS-BAR SYNDROME; Ataxia-telangiectasia; Ataxia telangiectasia (A-T); Cerebello-oculocutaneous telangiectasia; Immunodeficiency with ataxia telangiectasia; Ataxia-telangiectasia, complementation group D. Identifiers: Orphanet 100, MedGen C0004135, MONDO:0008840, OMIM 208900.
Hereditary breast ovarian cancer syndrome. Also called: Hereditary breast and ovarian cancer syndrome (HBOC); Hereditary breast and ovarian cancer; Hereditary breast and ovarian cancer syndrome; Breast and ovarian cancer; Hereditary breast and/or ovarian cancer syndrome; BRCA1- and BRCA2-Associated Hereditary Breast and Ovarian Cancer. Identifiers: Orphanet 145, MedGen C0677776, MeSH D061325, MONDO:0003582. Disease mechanism: loss of function.
Malignant tumor of breast. Also called: Malignant breast neoplasm; Cancer breast. Identifiers: MedGen C0006142, MONDO:0007254. Disease mechanism: loss of function.

Allele frequency attached by ClinVar (database versions not stated): gnomAD exomes 0.00008 and 0.00021; ExAC 0.00022; 1000 Genomes Project 30x 0.00031; 1000 Genomes Project 0.00040; gnomAD 0.00072 and 0.00080; ESP Exome Variant Server 0.00077; TOPMed 0.00087.
gnomAD v4.1: 235 of 1,604,732 alleles (0.015%); highest among the groups gnomAD compares: African/African-American, 0.26%; no homozygotes.

Submissions (19):

PreventionGenetics, part of Exact Sciences
Classification: Likely benign for ATM-related condition. Last evaluated: 2026-03-05. Review status: criteria provided, single submitter. Criteria: ACMG Guidelines, 2015. Collection method: clinical testing. Allele origin: germline.
Comment: This variant is classified as likely benign based on ACMG/AMP sequence variant interpretation guidelines (Richards et al. 2015 PMID: 25741868, with internal and published modifications).

CeGaT Center for Human Genetics Tuebingen
Classification: Likely benign. Last evaluated: 2026-03-01. Review status: criteria provided, single submitter. Criteria: CeGaT Center For Human Genetics Tuebingen Variant Classification Criteria Version 2. Collection method: clinical testing. Allele origin: germline. Affected: yes. Observed: 2 variant alleles.
Comment: ATM: BP4, BS1

Labcorp Genetics (formerly Invitae), Labcorp
Classification: Benign for Ataxia-telangiectasia syndrome. Last evaluated: 2026-02-03. Review status: criteria provided, single submitter. Criteria: Invitae Variant Classification Sherloc (09022015). Collection method: clinical testing. Allele origin: germline.

Dasa
Classification: Likely benign for ATM-related cancer predisposition. Last evaluated: 2025-11-22. Review status: criteria provided, single submitter. Criteria: DASA Assertion Criteria. Collection method: clinical testing. Allele origin: germline.
Comment: NM_000051.4(ATM):c.334G>A (p.Ala112Thr) is a missense variant that results in the substitution of alanine with threonine. Population frequency is inconsistent with a disease-causing role for this variant. Computational prediction algorithms are consistent with a benign effect. Therefore, based on the currently available evidence, this variant is classified as likely benign.

Athena Diagnostics
Classification: Likely benign. Last evaluated: 2025-03-26. Review status: criteria provided, single submitter. Criteria: Athena Diagnostics Criteria. Collection method: clinical testing. Allele origin: unknown.
Comment: The frequency of this variant in the general population is higher than would generally be expected for pathogenic variants in this gene.

Color Diagnostics, LLC DBA Color Health
Classification: Likely benign for Hereditary cancer-predisposing syndrome. Last evaluated: 2024-09-17. Review status: criteria provided, single submitter. Criteria: ACMG Guidelines, 2015. Collection method: clinical testing. Allele origin: germline.

Blueprint Genetics
Classification: Uncertain significance. Last evaluated: 2024-08-21. Review status: criteria provided, single submitter. Criteria: ACMG Guidelines, 2015. Collection method: clinical testing. Allele origin: germline.

Myriad Genetics, Inc.
Classification: Likely benign for Familial cancer of breast. Last evaluated: 2024-04-18. Review status: criteria provided, single submitter. Criteria: Myriad Autosomal Dominant, Autosomal Recessive and X-Linked Classification Criteria (2023). Collection method: clinical testing. Allele origin: unknown.
Comment: This variant is considered likely benign. This variant is strongly associated with less severe personal and family histories of cancer, typical for individuals without pathogenic variants in this gene [PMID: 25085752].

Quest Diagnostics Nichols Institute San Juan Capistrano
Classification: Likely benign. Last evaluated: 2023-09-22. Review status: criteria provided, single submitter. Criteria: Quest Diagnostics criteria. Collection method: clinical testing. Allele origin: unknown.

Mendelics
Classification: Benign for Ataxia-telangiectasia syndrome. Last evaluated: 2023-08-22. Review status: criteria provided, single submitter. Criteria: Mendelics Assertion Criteria 2019. Collection method: clinical testing. Allele origin: germline.

Women's Health and Genetics/Laboratory Corporation of America, LabCorp
Classification: Benign. Last evaluated: 2023-01-16. Review status: criteria provided, single submitter. Criteria: LabCorp Variant Classification Summary - May 2015. Collection method: clinical testing. Allele origin: germline.
Comment: Variant summary: ATM c.334G>A (p.Ala112Thr) results in a non-conservative amino acid change located in the Telomere-length maintenance and DNA damage repair domain (IPR021668) of the encoded protein sequence. Three of five in-silico tools predict a damaging effect of the variant on protein function. 4/4 computational tools predict no significant impact on normal splicing. However, these predictions have yet to be confirmed by functional studies. The variant allele was found at a frequency of 0.00021 in 250408 control chromosomes (gnomAD, Hirsch_2008), predominantly at a frequency of 0.0028 within the African or African-American subpopulation in the gnomAD database. The observed variant frequency within African or African-American control individuals in the gnomAD database is approximately 3 fold of the estimated maximal expected allele frequency for a pathogenic variant in ATM causing Breast Cancer phenotype (0.001), strongly suggesting that the variant is a benign polymorphism found primarily in populations of African or African-American origin. The variant has also been found in 13/2559 (carrier freq=0.00508) African American women over the age of 70 without history of cancer (FLOSSIES dataset). c.334G>A has been reported in the literature in individuals affected with Breast Cancer, Lynch Syndrome, endometrial carcinoma, cerebellar ataxia, primary ovarian insufficiency and PDAC (examples: Tung_2014, Yurgelun_2015, Ring_2016, Coutelier_2018, Mullins_2019, Weitzel_2019, Franca_2020, Zimmermann_2021), but it was also reported in healthy controls (examples: Hirsch_2008, Weitzel_2019). These reports do not provide unequivocal conclusions about association of the variant with Breast Cancer. To our knowledge, no experimental evidence demonstrating an impact on protein function has been reported. Ten ClinVar submitters have assessed the variant since 2014: five classified the variant as uncertain significance, three as likely benign, and two as benign. Based on the evidence outlined above, the variant was classified as benign.

National Health Laboratory Service, Universitas Academic Hospital and University of the Free State
Classification: Likely benign for Hereditary breast ovarian cancer syndrome. Last evaluated: 2022-04-19. Review status: criteria provided, single submitter. Criteria: ACMG Guidelines, 2015. Collection method: clinical testing. Allele origin: germline. Affected: yes. Observed: 1 variant allele.

GeneDx
Classification: Likely benign. Last evaluated: 2020-09-12. Review status: criteria provided, single submitter. Criteria: GeneDx Variant Classification Process June 2021. Collection method: clinical testing. Allele origin: germline. Affected: yes.
Comment: This variant is associated with the following publications: (PMID: 25318351, 25980754, 17333338, 27443514, 27720647, 19781682, 28779002, 23555315, 33095795)

Ambry Genetics
Classification: Likely benign for Hereditary cancer-predisposing syndrome. Last evaluated: 2019-02-11. Review status: criteria provided, single submitter. Criteria: Ambry Variant Classification Scheme 2023. Collection method: clinical testing. Allele origin: germline.

Eurofins Ntd Llc (ga)
Classification: Uncertain significance. Last evaluated: 2018-06-05. Review status: criteria provided, single submitter. Criteria: EGL ClinVar v180209 classification definitions. Collection method: clinical testing. Allele origin: germline. Observed: 1 variant allele, 1 heterozygote.

Fulgent Genetics
Classification: Uncertain significance for Familial cancer of breast; Ataxia-telangiectasia syndrome. Last evaluated: 2017-05-23. Review status: criteria provided, single submitter. Criteria: ACMG Guidelines, 2015. Collection method: clinical testing. Allele origin: unknown.

Institute for Biomarker Research, Medical Diagnostic Laboratories, L.L.C.
Classification: Uncertain significance for Hereditary cancer-predisposing syndrome. Last evaluated: 2017-02-14. Review status: criteria provided, single submitter. Criteria: ACMG Guidelines, 2015. Collection method: clinical testing. Allele origin: germline.

Genetic Services Laboratory, University of Chicago
Classification: Uncertain significance. Last evaluated: 2016-10-07. Review status: criteria provided, single submitter. Criteria: ACMG Guidelines, 2015. Collection method: clinical testing. Allele origin: germline. Affected: no.

Department of Pathology and Laboratory Medicine, Sinai Health System
Classification: Uncertain significance for Malignant tumor of breast. Review status: no assertion criteria provided. Collection method: clinical testing. Allele origin: unknown. Affected: yes. Study: The Canadian Open Genetics Repository (COGR). Not counted in ClinVar's aggregate classification.
Comment: The ATM p.Ala112Thr variant was identified in 4 of 17948 proband chromosomes (frequency: 0.0002) from individuals or families with breast cancer or Lynch syndrome and was present in 2 of 4988 control chromosomes (frequency: 0.0004) from healthy individuals (Haiman 2013, Hirsch 2008, Ring 2016, Tavtigian 2009, Yorczyk 2015, Yurgelun 2015). The variant was also identified in dbSNP (ID: rs146382972) as "With other allele", ClinVar (classified as likely benign by Invitae and Ambry Genetics; as uncertain significance by GeneDx and five other submitters), and MutDB. The variant was not identified in COGR, Cosmic, or LOVD 3.0 databases. The variant was identified in control databases in 74 of 276196 chromosomes at a frequency of 0.0003 (Genome Aggregation Database Feb 27, 2017). The variant was observed in the following populations: African in 66 of 23976 chromosomes (freq: 0.003), Other in 1 of 6434 chromosomes (freq: 0.0002), and Latino in 7 of 34316 chromosomes (freq: 0.0002), while the variant was not observed in the European, Ashkenazi Jewish, East Asian, Finnish, or South Asian populations. The p.Ala112 residue is conserved in mammals and computational analyses (PolyPhen-2, SIFT, AlignGVGD, BLOSUM, MutationTaster) provide inconsistent predictions regarding the impact to the protein; this information is not very predictive of pathogenicity. The variant occurs outside of the splicing consensus sequence and in silico or computational prediction software programs (SpliceSiteFinder, MaxEntScan, NNSPLICE, GeneSplicer) do not predict a difference in splicing. In summary, based on the above information, the clinical significance of this variant cannot be determined with certainty at this time. This variant is classified as a variant of uncertain significance.

Literature cited by the submitters: PubMed 27443514 (cited by 3 submitters); PubMed 31719806 (cited by 3 submitters); PubMed 19781682 (cited by 3 submitters); PubMed 25186627 (cited by 3 submitters); PubMed 36898365 (cited by Athena Diagnostics and Quest Diagnostics Nichols Institute San Juan Capistrano); PubMed 34326862 (cited by Athena Diagnostics); PubMed 35534704 (cited by Athena Diagnostics); PubMed 35264596 (cited by Athena Diagnostics); PubMed 35980532 (cited by Athena Diagnostics); PubMed 33850299 (cited by Athena Diagnostics); PubMed 23555315 (cited by 3 submitters); PubMed 28779002 (cited by Athena Diagnostics and Quest Diagnostics Nichols Institute San Juan Capistrano); PubMed 17333338 (cited by 3 submitters); PubMed 33747920 (cited by 3 submitters); PubMed 33095795 (cited by 3 submitters); PubMed 31206626 (cited by 3 submitters); PubMed 29482223 (cited by 3 submitters); PubMed 25318351 (cited by 3 submitters); PubMed 25980754 (cited by 3 submitters); PubMed 25085752 (cited by Myriad Genetics, Inc.); PubMed 33471991 (cited by Women's Health and Genetics/Laboratory Corporation of America, LabCorp).